The following is an entry in ClinVar:

NM_021815.5(SLC5A7):c.31A>G (p.Ile11Val)

Gene: SLC5A7 (solute carrier family 5 member 7; plus strand). Cytogenetic location: 2q12.3.
Variant type: single nucleotide variant.
Coding change: c.31A>G on transcript NM_021815.5 (MANE Select); coding-DNA position 31, A replaced by G.
Protein change: p.Ile11Val; replaces isoleucine 11 with valine.
Molecular consequence: missense variant. On other transcripts: 5 prime UTR variant (1), intron variant (1).
Genome position (GRCh38, 1-based): chr2:107,988,186, A>G. VCF-style: chr2-107988186-A-G. GRCh37 (hg19) VCF-style: chr2-108604642-A-G.
Other names: c.31A>G, p.Ile11Val (NM_001305005.3); c.-674A>G (NM_001305007.3); c.-138+1423A>G (NM_001305006.3); short protein forms I11V.
Identifiers: ClinVar variation 582726 (VCV000582726.7), dbSNP rs911790588, ClinGen allele CA53407773.

ClinVar aggregate classification (germline): Uncertain significance. Review status: criteria provided, multiple submitters, no conflicts (2 of 4 stars). 2 submissions from 2 submitters: Uncertain significance (2). Last evaluated 2022-10-08.

Conditions:
Inborn genetic diseases. Identifiers: MedGen C0950123, MeSH D030342.
Neuronopathy, distal hereditary motor, type 7A. Also called: Neuronopathy, distal hereditary motor, type viia; NEURONOPATHY, DISTAL HEREDITARY MOTOR, HARDING TYPE VIIA; NEUROPATHY, DISTAL HEREDITARY MOTOR, HARDING TYPE VIIA; Neuronopathy, distal hereditary motor, autosomal dominant 7; HARPER-YOUNG MYOPATHY; HMN VIIA. Identifiers: Orphanet 139589, MedGen C1834703, MONDO:0008024, OMIM 158580.
Congenital myasthenic syndrome 20. Also called: Myasthenic syndrome, congenital, 20, presynaptic. Identifiers: MedGen C4310694, MONDO:0014939, OMIM 617143.

Allele frequency attached by ClinVar (database versions not stated): gnomAD exomes below 0.00001 and 0.00001; gnomAD 0.00001; TOPMed 0.00003.
gnomAD v4.1: 4 of 1,613,978 alleles (0.00025%); highest among the groups gnomAD compares: African/African-American, 0.004%; no homozygotes.

Submissions (2):

Labcorp Genetics (formerly Invitae), Labcorp
Classification: Uncertain significance for Neuronopathy, distal hereditary motor, type 7A; Congenital myasthenic syndrome 20. Last evaluated: 2022-10-08. Review status: criteria provided, single submitter. Criteria: Invitae Variant Classification Sherloc (09022015). Collection method: clinical testing. Allele origin: germline.
Comment: ClinVar contains an entry for this variant (Variation ID: 582726). This variant has not been reported in the literature in individuals affected with SLC5A7-related conditions. This variant is present in population databases (no rsID available, gnomAD 0.007%). This sequence change replaces isoleucine, which is neutral and non-polar, with valine, which is neutral and non-polar, at codon 11 of the SLC5A7 protein (p.Ile11Val). In summary, the available evidence is currently insufficient to determine the role of this variant in disease. Therefore, it has been classified as a Variant of Uncertain Significance. Advanced modeling of protein sequence and biophysical properties (such as structural, functional, and spatial information, amino acid conservation, physicochemical variation, residue mobility, and thermodynamic stability) performed at Invitae indicates that this missense variant is not expected to disrupt SLC5A7 protein function.

Ambry Genetics
Classification: Uncertain significance for Inborn genetic diseases. Last evaluated: 2021-12-03. Review status: criteria provided, single submitter. Criteria: Ambry Variant Classification Scheme 2023. Collection method: clinical testing. Allele origin: germline.